The following is an entry in ClinVar:

ClinVar aggregate classification (germline): Uncertain significance. Review status: criteria provided, multiple submitters, no conflicts (2 of 4 stars). 2 submissions from 2 submitters: Uncertain significance (2). Last evaluated 2025-03-01.

Conditions:
Cohen syndrome (COH1). Also called: PEPPER SYNDROME; Cutis verticis gyrata, retinitis pigmentosa, and sensorineural deafness. Identifiers: Orphanet 193, MedGen C0265223, MONDO:0008999, OMIM 216550.

Allele frequency attached by ClinVar (database versions not stated): gnomAD exomes below 0.00001.
gnomAD v4.1: 2 of 1,614,156 alleles (0.00012%); highest among the groups gnomAD compares: South Asian, 0.0022%; no homozygotes.

Submissions (2):

CeGaT Center for Human Genetics Tuebingen
Classification: Uncertain significance. Last evaluated: 2025-03-01. Review status: criteria provided, single submitter. Criteria: CeGaT Center For Human Genetics Tuebingen Variant Classification Criteria Version 2. Collection method: clinical testing. Allele origin: germline. Affected: yes. Observed: 1 variant allele.
Comment: VPS13B: PM2, PM3:Supporting, BP4

Labcorp Genetics (formerly Invitae), Labcorp
Classification: Uncertain significance for Cohen syndrome. Last evaluated: 2022-07-23. Review status: criteria provided, single submitter. Criteria: Invitae Variant Classification Sherloc (09022015). Collection method: clinical testing. Allele origin: germline.
Comment: This sequence change replaces glutamine, which is neutral and polar, with glutamic acid, which is acidic and polar, at codon 378 of the VPS13B protein (p.Gln378Glu). This variant is not present in population databases (gnomAD no frequency). This variant has not been reported in the literature in individuals affected with VPS13B-related conditions. Algorithms developed to predict the effect of missense changes on protein structure and function are either unavailable or do not agree on the potential impact of this missense change (SIFT: "Not Available"; PolyPhen-2: "Benign"; Align-GVGD: "Not Available"). In summary, the available evidence is currently insufficient to determine the role of this variant in disease. Therefore, it has been classified as a Variant of Uncertain Significance.

NM_152564.5(VPS13B):c.1132C>G (p.Gln378Glu)

Gene: VPS13B (vacuolar protein sorting 13 homolog B; plus strand). Cytogenetic location: 8q22.2.
Variant type: single nucleotide variant.
Coding change: c.1132C>G on transcript NM_152564.5 (MANE Select); coding-DNA position 1132, C replaced by G.
Protein change: p.Gln378Glu; replaces glutamine 378 with glutamic acid.
Molecular consequence: missense variant. On other transcripts: non-coding transcript variant (1).
Genome position (GRCh38, 1-based): chr8:99,121,371, C>G. VCF-style: chr8-99121371-C-G. GRCh37 (hg19) VCF-style: chr8-100133599-C-G.
Other names: c.1132C>G, p.Gln378Glu (NM_015243.3, NM_017890.5, NM_181661.3); short protein forms Q378E.
Identifiers: ClinVar variation 1966777 (VCV001966777.9), dbSNP rs1300906976, ClinGen allele CA371861190.